The following is an entry in ClinVar:

ClinVar aggregate classification (germline): Uncertain significance (1 of 4 stars; one submission).

Conditions:
Inborn genetic diseases. Identifiers: MedGen C0950123, MeSH D030342.

Submission:

Ambry Genetics
Classification: Uncertain significance for Inborn genetic diseases. Last evaluated: 2022-04-26. Review status: criteria provided, single submitter. Criteria: Ambry Variant Classification Scheme 2023. Collection method: clinical testing. Allele origin: germline.
Comment: The p.I997V variant (also known as c.2989A>G), located in coding exon 23 of the LRRK2 gene, results from an A to G substitution at nucleotide position 2989. The isoleucine at codon 997 is replaced by valine, an amino acid with highly similar properties. This amino acid position is conserved. In addition, this alteration is predicted to be tolerated by in silico analysis. Since supporting evidence is limited at this time, the clinical significance of this alteration remains unclear.

NM_198578.4(LRRK2):c.2989A>G (p.Ile997Val)

Gene: LRRK2 (leucine rich repeat kinase 2; plus strand). Cytogenetic location: 12q12.
Variant type: single nucleotide variant.
Coding change: c.2989A>G on transcript NM_198578.4 (MANE Select); coding-DNA position 2989, A replaced by G.
Protein change: p.Ile997Val; replaces isoleucine 997 with valine.
Molecular consequence: missense variant.
Genome position (GRCh38, 1-based): chr12:40,295,537, A>G. VCF-style: chr12-40295537-A-G. GRCh37 (hg19) VCF-style: chr12-40689339-A-G.
Other names: short protein forms I997V.
Identifiers: ClinVar variation 1798479 (VCV001798479.2), dbSNP rs2499728831, ClinGen allele CA384412743.